The following is an entry in ClinVar:

NM_018249.6(CDK5RAP2):c.4041G>A (p.Leu1347=)

Gene: CDK5RAP2 (CDK5 regulatory subunit associated protein 2; minus strand). Cytogenetic location: 9q33.2.
Variant type: single nucleotide variant.
Coding change: c.4041G>A on transcript NM_018249.6 (MANE Select); coding-DNA position 4041, G replaced by A.
Protein change: p.Leu1347=; no amino-acid change (leucine 1347 retained).
Molecular consequence: synonymous variant. On other transcripts: non-coding transcript variant (5).
Genome position (GRCh38, 1-based): chr9:120,419,924, C>T on the plus strand (G>A on the coding strand, the complement: CDK5RAP2 is on the minus strand). VCF-style: chr9-120419924-C-T. GRCh37 (hg19) VCF-style: chr9-123182202-C-T.
Other names: p.L1347L:CTG>CTA; c.4041G>A, p.Leu1347= (NM_001011649.3); c.3351G>A, p.Leu1117= (NM_001272039.2).
Identifiers: ClinVar variation 136706 (VCV000136706.22), dbSNP rs6478475, ClinGen allele CA171579.

ClinVar aggregate classification (germline): Benign/Likely benign. Review status: criteria provided, multiple submitters, no conflicts (2 of 4 stars). 8 submissions from 8 submitters: Benign (4); Likely benign (2). 2 of the submissions do not count toward it. Last evaluated 2026-02-04.

Allele frequency attached by ClinVar (database versions not stated): gnomAD exomes 0.04000; ExAC 0.04436; gnomAD 0.08508 and 0.09053; 1000 Genomes Project 0.08666; 1000 Genomes Project 30x 0.08729; TOPMed 0.09298; ESP Exome Variant Server 0.09403.
gnomAD v4.1: 61,256 of 1,613,676 alleles (3.8%); highest among the groups gnomAD compares: African/African-American, 23%; 2,718 homozygotes.

Submissions (8):

Labcorp Genetics (formerly Invitae), Labcorp
Classification: Benign. Last evaluated: 2026-02-04. Review status: criteria provided, single submitter. Criteria: Invitae Variant Classification Sherloc (09022015). Collection method: clinical testing. Allele origin: germline.

Blueprint Genetics
Classification: Likely benign. Last evaluated: 2024-11-27. Review status: criteria provided, single submitter. Criteria: ACMG Guidelines, 2015. Collection method: clinical testing. Allele origin: germline.

GeneDx
Classification: Benign. Last evaluated: 2013-12-18. Review status: criteria provided, single submitter. Criteria: GeneDx Variant Classification (06012015). Collection method: clinical testing. Allele origin: germline. Affected: yes.
Comment: This variant is considered likely benign or benign based on one or more of the following criteria: it is a conservative change, it occurs at a poorly conserved position in the protein, it is predicted to be benign by multiple in silico algorithms, and/or has population frequency not consistent with disease.

Genetic Services Laboratory, University of Chicago
Classification: Benign. Last evaluated: 2013-02-08. Review status: criteria provided, single submitter. Criteria: ACMG Guidelines, 2007. Collection method: clinical testing. Allele origin: germline. Inheritance: Autosomal recessive inheritance.

Breakthrough Genomics
Classification: Likely benign. Review status: criteria provided, single submitter. Criteria: ACMG Guidelines, 2015. Collection method: not provided. Allele origin: germline. Inheritance: Autosomal recessive inheritance. Affected: yes.

PreventionGenetics, part of Exact Sciences
Classification: Benign. Review status: criteria provided, single submitter. Criteria: ACMG Guidelines, 2015. Collection method: clinical testing. Allele origin: germline.

Clinical Genetics DNA and cytogenetics Diagnostics Lab, Erasmus MC, Erasmus Medical Center
Classification: Benign. Review status: no assertion criteria provided. Collection method: clinical testing. Allele origin: germline. Affected: yes. Study: VKGL Data-share Consensus. Not counted in ClinVar's aggregate classification.

Joint Genome Diagnostic Labs from Nijmegen and Maastricht, Radboudumc and MUMC+
Classification: Benign. Review status: no assertion criteria provided. Collection method: clinical testing. Allele origin: germline. Affected: yes. Study: VKGL Data-share Consensus. Not counted in ClinVar's aggregate classification.